The following is an entry in ClinVar:

NM_001267550.2(TTN):c.92291C>A (p.Thr30764Lys)

Genes: TTN (titin; minus strand), TTN-AS1 (TTN antisense RNA 1; plus strand). Cytogenetic location: 2q31.2.
Variant type: single nucleotide variant.
Coding change: c.92291C>A on transcript NM_001267550.2 (MANE Select); coding-DNA position 92291, C replaced by A.
Protein change: p.Thr30764Lys; replaces threonine 30764 with lysine.
Molecular consequence: missense variant.
Genome position (GRCh38, 1-based): chr2:178,549,335, G>T on the plus strand (C>A on the coding strand, the complement: TTN is on the minus strand). VCF-style: chr2-178549335-G-T. GRCh37 (hg19) VCF-style: chr2-179414062-G-T.
Other names: c.87368C>A, p.Thr29123Lys (NM_001256850.1); c.65096C>A, p.Thr21699Lys (NM_003319.4); c.84587C>A, p.Thr28196Lys (NM_133378.4); c.65471C>A, p.Thr21824Lys (NM_133432.3); c.65672C>A, p.Thr21891Lys (NM_133437.4); short protein forms T30764K, T21699K, T21824K, T28196K, T21891K, T29123K.
Identifiers: ClinVar variation 467645 (VCV000467645.7), dbSNP rs376537509, ClinGen allele CA1987459.

ClinVar aggregate classification (germline): Uncertain significance. Review status: criteria provided, multiple submitters, no conflicts (2 of 4 stars). 4 submissions from 4 submitters: Uncertain significance (4). Last evaluated 2026-08-31.

Conditions:
TTN-related disorder. Also called: TTN-related condition; TTN-related disease; TTN-related disorders.
Cardiovascular phenotype. Identifiers: MedGen CN230736.
Autosomal recessive limb-girdle muscular dystrophy type 2J (LGMDR10). Also called: Limb-girdle muscular dystrophy, type 2J; MUSCULAR DYSTROPHY, LIMB-GIRDLE, AUTOSOMAL RECESSIVE 10. Identifiers: Orphanet 140922, MedGen C1837342, MONDO:0012127, OMIM 608807.
Dilated cardiomyopathy 1G (CMD1G). Identifiers: Orphanet 154, MedGen C1858763, MONDO:0011400, OMIM 604145.
Hypertrophic cardiomyopathy 9. Also called: Familial hypertrophic cardiomyopathy 9. Identifiers: MedGen C1861065, MONDO:0013412, OMIM 613765.
Myopathy, myofibrillar, 9, with early respiratory failure (MFM9). Also called: Hereditary myopathy with early respiratory failure; MYOPATHY, PROXIMAL, WITH EARLY RESPIRATORY MUSCLE INVOLVEMENT; EDSTROM MYOPATHY; Myopathy, distal, with early respiratory failure, autosomal dominant. Identifiers: Orphanet 178464, Orphanet 34521, MedGen C1863599, MONDO:0011362, OMIM 603689.
Tibial muscular dystrophy (TMD). Also called: Udd Distal Myopathy – Tibial Muscular Dystrophy; UDD MYOPATHY; Tibial muscular dystrophy, tardive. Identifiers: Orphanet 609, MedGen C1838244, MONDO:0010870, OMIM 600334.
Early-onset myopathy with fatal cardiomyopathy (CMYO5). Also called: Salih Myopathy; CONGENITAL MYOPATHY 5 WITH CARDIOMYOPATHY. Identifiers: Orphanet 289377, MedGen C2673677, MONDO:0012714, OMIM 611705. Disease mechanism: loss of function.

Allele frequency attached by ClinVar (database versions not stated): ExAC 0.00001; gnomAD 0.00001; TOPMed 0.00001; gnomAD exomes 0.00002; ESP Exome Variant Server 0.00008.
gnomAD v4.1: 31 of 1,613,750 alleles (0.0019%); highest among the groups gnomAD compares: Non-Finnish European, 0.0026%; no homozygotes.

Submissions (4):

PreventionGenetics, part of Exact Sciences
Classification: Uncertain significance for TTN-related condition. Last evaluated: 2026-08-31. Review status: criteria provided, single submitter. Criteria: ACMG Guidelines, 2015. Collection method: clinical testing. Allele origin: germline.
Comment: The TTN c.92291C>A variant is predicted to result in the amino acid substitution p.Thr30764Lys. This variant has been reported along with variants in the DSP and KCNH2 genes in an infant that died suddenly at rest (referred to as c.84587C>A, p.Thr28196Lys in transcript NM_133378, Campuzano et al. 2018. PubMed ID: 30086531). This variant is reported in 0.0035% of alleles in individuals of European (Non-Finnish) descent in gnomAD and is interpreted as uncertain in ClinVar (Variation ID: 467645). At this time, the clinical significance of this variant is uncertain due to the absence of conclusive functional and genetic evidence.

Fulgent Genetics
Classification: Uncertain significance for Tibial muscular dystrophy; Myopathy, myofibrillar, 9, with early respiratory failure; Dilated cardiomyopathy 1G; Autosomal recessive limb-girdle muscular dystrophy type 2J; Early-onset myopathy with fatal cardiomyopathy; Hypertrophic cardiomyopathy 9. Last evaluated: 2021-10-08. Review status: criteria provided, single submitter. Criteria: ACMG Guidelines, 2015. Collection method: clinical testing. Allele origin: unknown.

Ambry Genetics
Classification: Uncertain significance for Cardiovascular phenotype. Last evaluated: 2018-11-07. Review status: criteria provided, single submitter. Criteria: Ambry Variant Classification Scheme 2023. Collection method: clinical testing. Allele origin: germline.
Comment: The p.T21699K variant (also known as c.65096C>A), located in coding exon 166 of the TTN gene, results from a C to A substitution at nucleotide position 65096. The threonine at codon 21699 is replaced by lysine, an amino acid with similar properties. This variant was reported (as NM_133378.4:c.84587C>A p.T28196K) in a sudden infant death case with additional cardiac variants; however, clinical details were limited (Campuzano O et al. Forensic Sci Int Genet, 2018 Nov;37:54-63). This amino acid position is not well conserved in available vertebrate species. In addition, this alteration is predicted to be tolerated by in silico analysis. Since supporting evidence is limited at this time, the clinical significance of this alteration remains unclear.

Labcorp Genetics (formerly Invitae), Labcorp
Classification: Uncertain significance for Dilated cardiomyopathy 1G; Autosomal recessive limb-girdle muscular dystrophy type 2J. Last evaluated: 2017-06-23. Review status: criteria provided, single submitter. Criteria: Invitae Variant Classification Sherloc (09022015). Collection method: clinical testing. Allele origin: germline.

Literature cited by the submitters: PubMed 30086531 (cited by Ambry Genetics).